The following is an entry in ClinVar:

NM_002230.4(JUP):c.62C>A (p.Thr21Asn)

Gene: JUP (junction plakoglobin; minus strand). Cytogenetic location: 17q21.2.
Variant type: single nucleotide variant.
Coding change: c.62C>A on transcript NM_002230.4 (MANE Select); coding-DNA position 62, C replaced by A.
Protein change: p.Thr21Asn; replaces threonine 21 with asparagine.
Molecular consequence: missense variant.
Genome position (GRCh38, 1-based): chr17:41,771,793, G>T on the plus strand (C>A on the coding strand, the complement: JUP is on the minus strand). VCF-style: chr17-41771793-G-T. GRCh37 (hg19) VCF-style: chr17-39928045-G-T.
Other names: c.62C>A, p.Thr21Asn (NM_021991.4, NM_001352773.2, NM_001352774.2 and 3 more transcripts); short protein forms T21N.
Identifiers: ClinVar variation 3762828 (VCV003762828.3).

ClinVar aggregate classification (germline): Uncertain significance. Review status: criteria provided, multiple submitters, no conflicts (2 of 4 stars). 2 submissions from 2 submitters: Uncertain significance (2). Last evaluated 2026-02-14.

Conditions:
Naxos disease (NXD). Also called: KERATOSIS PALMOPLANTARIS WITH ARRHYTHMOGENIC CARDIOMYOPATHY; MAL DE NAXOS; PALMOPLANTAR KERATODERMA WITH ARRHYTHMOGENIC RIGHT VENTRICULAR CARDIOMYOPATHY AND WOOLLY HAIR; WOOLLY HAIR, PALMOPLANTAR KERATODERMA, AND CARDIAC ABNORMALITIES; CARDIOMYOPATHY, ARRHYTHMOGENIC RIGHT VENTRICULAR, WITH SKIN, HAIR, AND NAIL ABNORMALITIES. Identifiers: Orphanet 34217, MedGen C1832600, MONDO:0011017, OMIM 601214.
Arrhythmogenic right ventricular dysplasia 12. Also called: ARRHYTHMOGENIC RIGHT VENTRICULAR DYSPLASIA, FAMILIAL, 12. Identifiers: MedGen C1969081, MONDO:0012684, OMIM 611528.
Cardiovascular phenotype. Identifiers: MedGen CN230736.

Submissions (2):

Ambry Genetics
Classification: Uncertain significance for Cardiovascular phenotype. Last evaluated: 2026-02-14. Review status: criteria provided, single submitter. Criteria: Ambry Variant Classification Scheme 2023. Collection method: clinical testing. Allele origin: germline.
Comment: The p.T21N variant (also known as c.62C>A), located in coding exon 1 of the JUP gene, results from a C to A substitution at nucleotide position 62. The threonine at codon 21 is replaced by asparagine, an amino acid with similar properties. This amino acid position is conserved. In addition, this alteration is predicted to be tolerated by in silico analysis. Based on the available evidence, the clinical significance of this variant remains unclear.

Labcorp Genetics (formerly Invitae), Labcorp
Classification: Uncertain significance for Arrhythmogenic right ventricular dysplasia 12; Naxos disease. Last evaluated: 2025-08-13. Review status: criteria provided, single submitter. Criteria: Invitae Variant Classification Sherloc (09022015). Collection method: clinical testing. Allele origin: germline.
Comment: This sequence change replaces threonine, which is neutral and polar, with asparagine, which is neutral and polar, at codon 21 of the JUP protein (p.Thr21Asn). This variant is not present in population databases (gnomAD no frequency). This variant has not been reported in the literature in individuals affected with JUP-related conditions. ClinVar contains an entry for this variant (Variation ID: 3762828). An algorithm developed to predict the effect of missense changes on protein structure and function (PolyPhen-2) suggests that this variant is likely to be tolerated. In summary, the available evidence is currently insufficient to determine the role of this variant in disease. Therefore, it has been classified as a Variant of Uncertain Significance.